The following is an entry in ClinVar:

ClinVar aggregate classification (germline): Uncertain significance (1 of 4 stars; one submission).

gnomAD v4.1: 11 of 1,613,938 alleles (0.00068%); highest among the groups gnomAD compares: South Asian, 0.0099%; no homozygotes.

Submission:

GeneDx
Classification: Uncertain significance. Last evaluated: 2023-12-12. Review status: criteria provided, single submitter. Criteria: GeneDx Variant Classification Process June 2021. Collection method: clinical testing. Allele origin: germline. Affected: yes.
Comment: Has not been previously published as pathogenic or benign to our knowledge; Not observed at significant frequency in large population cohorts (gnomAD); In silico analysis supports that this missense variant does not alter protein structure/function; Although located in a calcium-binding EGF-like domain of the FBN1 gene, it does not affect a cysteine residue within this domain; cysteine substitutions in the calcium-binding EGF-like domains represent the majority of pathogenic missense changes associated with FBN1-related disorders (PMID: 12938084); This variant is associated with the following publications: (PMID: 12938084)

NM_000138.5(FBN1):c.2197A>G (p.Ile733Val)

Gene: FBN1 (fibrillin 1; minus strand). Cytogenetic location: 15q21.1.
Variant type: single nucleotide variant.
Coding change: c.2197A>G on transcript NM_000138.5 (MANE Select); coding-DNA position 2197, A replaced by G.
Protein change: p.Ile733Val; replaces isoleucine 733 with valine.
Molecular consequence: missense variant.
Genome position (GRCh38, 1-based): chr15:48,497,362, T>C on the plus strand (A>G on the coding strand, the complement: FBN1 is on the minus strand). VCF-style: chr15-48497362-T-C. GRCh37 (hg19) VCF-style: chr15-48789559-T-C.
Other names: c.2197A>G, p.Ile733Val (NM_001406716.1); short protein forms I733V.
Identifiers: ClinVar variation 3365532 (VCV003365532.1).